The following is an entry in ClinVar:

NM_002471.4(MYH6):c.3949C>A (p.Leu1317Ile)

Gene: MYH6 (myosin heavy chain 6; minus strand). Cytogenetic location: 14q11.2.
Variant type: single nucleotide variant.
Coding change: c.3949C>A on transcript NM_002471.4 (MANE Select); coding-DNA position 3949, C replaced by A.
Protein change: p.Leu1317Ile; replaces leucine 1317 with isoleucine.
Molecular consequence: missense variant.
Genome position (GRCh38, 1-based): chr14:23,389,422, G>T on the plus strand (C>A on the coding strand, the complement: MYH6 is on the minus strand). VCF-style: chr14-23389422-G-T. GRCh37 (hg19) VCF-style: chr14-23858631-G-T.
Other names: short protein forms L1317I.
Identifiers: ClinVar variation 3666751 (VCV003666751.2).

ClinVar aggregate classification (germline): Uncertain significance (1 of 4 stars; one submission).

Conditions:
Hypertrophic cardiomyopathy 14. Identifiers: MedGen C2750467, MONDO:0013197, OMIM 613251.

gnomAD v4.1: 3 of 1,614,136 alleles (0.00019%); highest among the groups gnomAD compares: Non-Finnish European, 0.00025%; no homozygotes.

Submission:

Labcorp Genetics (formerly Invitae), Labcorp
Classification: Uncertain significance for Hypertrophic cardiomyopathy 14. Last evaluated: 2024-10-16. Review status: criteria provided, single submitter. Criteria: Invitae Variant Classification Sherloc (09022015). Collection method: clinical testing. Allele origin: germline.
Comment: This sequence change replaces leucine, which is neutral and non-polar, with isoleucine, which is neutral and non-polar, at codon 1317 of the MYH6 protein (p.Leu1317Ile). This variant is not present in population databases (gnomAD no frequency). This variant has not been reported in the literature in individuals affected with MYH6-related conditions. Invitae Evidence Modeling of protein sequence and biophysical properties (such as structural, functional, and spatial information, amino acid conservation, physicochemical variation, residue mobility, and thermodynamic stability) indicates that this missense variant is not expected to disrupt MYH6 protein function with a negative predictive value of 80%. In summary, the available evidence is currently insufficient to determine the role of this variant in disease. Therefore, it has been classified as a Variant of Uncertain Significance.